The following is an entry in ClinVar:

ClinVar aggregate classification (germline): Likely pathogenic (1 of 4 stars; one submission).

Conditions:
Intellectual developmental disorder with language impairment and early-onset DOPA-responsive dystonia-parkinsonism (IDLDP). Identifiers: Orphanet 660017, MedGen C5677001, MONDO:0859257, OMIM 619911.

Submission:

MVZ Medizinische Genetik Mainz
Classification: Likely pathogenic for Intellectual developmental disorder with language impairment and early-onset DOPA-responsive dystonia-parkinsonism. Last evaluated: 2023-03-21. Review status: criteria provided, single submitter. Criteria: UK Practice Guidelines For Variant Classification V4 01 2020. Collection method: clinical testing. Allele origin: germline. Inheritance: Autosomal dominant inheritance. Affected: yes. Observed: 1 variant allele.
Comment: ACMG Criteria: PP3_STR,PM5,PM2_SUP,PP2

NM_006186.4(NR4A2):c.968G>A (p.Cys323Tyr)

Gene: NR4A2 (nuclear receptor subfamily 4 group A member 2; minus strand). Cytogenetic location: 2q24.1.
Variant type: single nucleotide variant.
Coding change: c.968G>A on transcript NM_006186.4 (MANE Select); coding-DNA position 968, G replaced by A.
Protein change: p.Cys323Tyr; replaces cysteine 323 with tyrosine.
Molecular consequence: missense variant.
Genome position (GRCh38, 1-based): chr2:156,328,430, C>T on the plus strand (G>A on the coding strand, the complement: NR4A2 is on the minus strand). VCF-style: chr2-156328430-C-T. GRCh37 (hg19) VCF-style: chr2-157184942-C-T.
Other names: c.779G>A, p.Cys260Tyr (NM_173173.3); short protein forms C260Y, C323Y.
Identifiers: ClinVar variation 3066310 (VCV003066310.1), dbSNP rs1686756273, ClinGen allele CA348681253.